The following is an entry in ClinVar:

ClinVar aggregate classification (germline): Uncertain significance (1 of 4 stars; one submission).

Conditions:
Fanconi anemia (FA). Also called: Fanconi's anemia. Identifiers: Orphanet 84, MedGen C0015625, MeSH D005199, MONDO:0019391.

Submission:

Labcorp Genetics (formerly Invitae), Labcorp
Classification: Uncertain significance for Fanconi anemia. Last evaluated: 2024-03-15. Review status: criteria provided, single submitter. Criteria: Invitae Variant Classification Sherloc (09022015). Collection method: clinical testing. Allele origin: germline.
Comment: This sequence change replaces proline, which is neutral and non-polar, with leucine, which is neutral and non-polar, at codon 391 of the FANCG protein (p.Pro391Leu). This variant is not present in population databases (gnomAD no frequency). This variant has not been reported in the literature in individuals affected with FANCG-related conditions. Advanced modeling of protein sequence and biophysical properties (such as structural, functional, and spatial information, amino acid conservation, physicochemical variation, residue mobility, and thermodynamic stability) performed at Invitae indicates that this missense variant is expected to disrupt FANCG protein function with a positive predictive value of 80%. In summary, the available evidence is currently insufficient to determine the role of this variant in disease. Therefore, it has been classified as a Variant of Uncertain Significance.

NM_004629.2(FANCG):c.1172C>T (p.Pro391Leu)

Gene: FANCG (FA complementation group G; minus strand). Cytogenetic location: 9p13.3.
Variant type: single nucleotide variant.
Coding change: c.1172C>T on transcript NM_004629.2 (MANE Select); coding-DNA position 1172, C replaced by T.
Protein change: p.Pro391Leu; replaces proline 391 with leucine.
Molecular consequence: missense variant.
Genome position (GRCh38, 1-based): chr9:35,075,726, G>A on the plus strand (C>T on the coding strand, the complement: FANCG is on the minus strand). VCF-style: chr9-35075726-G-A. GRCh37 (hg19) VCF-style: chr9-35075723-G-A.
Other names: short protein forms P391L.
Identifiers: ClinVar variation 3703914 (VCV003703914.2).